The following is an entry in ClinVar:

ClinVar aggregate classification (germline): Uncertain significance (1 of 4 stars; one submission).

Allele frequency attached by ClinVar (database versions not stated): gnomAD exomes 0.00001.
gnomAD v4.1: 8 of 1,614,166 alleles (0.0005%); highest among the groups gnomAD compares: Non-Finnish European, 0.00068%; no homozygotes.

Submission:

Labcorp Genetics (formerly Invitae), Labcorp
Classification: Uncertain significance. Last evaluated: 2023-10-09. Review status: criteria provided, single submitter. Criteria: Invitae Variant Classification Sherloc (09022015). Collection method: clinical testing. Allele origin: germline.
Comment: This sequence change replaces alanine, which is neutral and non-polar, with valine, which is neutral and non-polar, at codon 214 of the RHOBTB2 protein (p.Ala214Val). This variant is not present in population databases (gnomAD no frequency). This variant has not been reported in the literature in individuals affected with RHOBTB2-related conditions. Advanced modeling of protein sequence and biophysical properties (such as structural, functional, and spatial information, amino acid conservation, physicochemical variation, residue mobility, and thermodynamic stability) performed at Invitae indicates that this missense variant is not expected to disrupt RHOBTB2 protein function. In summary, the available evidence is currently insufficient to determine the role of this variant in disease. Therefore, it has been classified as a Variant of Uncertain Significance.

NM_015178.3(RHOBTB2):c.575C>T (p.Ala192Val)

Gene: RHOBTB2 (Rho related BTB domain containing 2; plus strand). Cytogenetic location: 8p21.3.
Variant type: single nucleotide variant.
Coding change: c.575C>T on transcript NM_015178.3 (MANE Select); coding-DNA position 575, C replaced by T.
Protein change: p.Ala192Val; replaces alanine 192 with valine.
Molecular consequence: missense variant.
Genome position (GRCh38, 1-based): chr8:23,006,820, C>T. VCF-style: chr8-23006820-C-T. GRCh37 (hg19) VCF-style: chr8-22864333-C-T.
Other names: c.641C>T, p.Ala214Val (NM_001160036.2); c.596C>T, p.Ala199Val (NM_001160037.2); c.575C>T, p.Ala192Val (NM_001374791.1); short protein forms A192V, A199V, A214V.
Identifiers: ClinVar variation 2791192 (VCV002791192.1), dbSNP rs1023074601, ClinGen allele CA173876546.